The following is an entry in ClinVar:

NM_002691.4(POLD1):c.1013_1015del (p.Cys338del)

Gene: POLD1 (DNA polymerase delta 1, catalytic subunit; plus strand). Cytogenetic location: 19q13.33.
Variant type: Deletion.
Coding change: c.1013_1015del on transcript NM_002691.4 (MANE Select); coding-DNA positions 1013 to 1015, 3 bases deleted (GCT; older notation c.1013_1015delGCT).
Protein change: p.Cys338del; deletes cysteine 338.
Molecular consequence: inframe deletion. On other transcripts: non-coding transcript variant (1).
Genome position (GRCh38, 1-based): chr19:50,403,095-50,403,097, GCT deleted; deleting any 3 consecutive bases within chr19:50,403,093-50,403,097 gives the same sequence; the c. name uses the placement nearest the transcript's 3' end. VCF-style (leftmost placement, unchanged base first): chr19-50403092-TCTG-T. GRCh37 (hg19) VCF-style: chr19-50906349-TCTG-T.
Other names: c.1013_1015del, p.Cys338del (NM_001256849.1, NM_001308632.1); short protein forms C338del.
Identifiers: ClinVar variation 1735044 (VCV001735044.2), dbSNP rs2513972960, ClinGen allele CA2580097705.
Genomic context (GRCh38, chr19:50,403,092, plus strand): 5'-CTGCATCCTCCTGCCTCGCAGGCATCTTCCCTGAGCCTGAGCGGGACCCTGTCATCCAGA[TCTG>T]CTCGCTGGGCCTGCGCTGGGGGGAGCCGGAGCCCTTCCTACGCCTGGCGCTCACCCTGCG-3'

ClinVar aggregate classification (germline): Uncertain significance (1 of 4 stars; one submission).

Conditions:
Hereditary cancer-predisposing syndrome. Also called: Neoplastic Syndromes, Hereditary; Tumor predisposition; Hereditary Cancer Syndrome; Hereditary neoplastic syndrome. Identifiers: Orphanet 140162, MedGen C0027672, MeSH D009386, MONDO:0015356.

Submission:

Ambry Genetics
Classification: Uncertain significance for Hereditary cancer-predisposing syndrome. Last evaluated: 2020-09-29. Review status: criteria provided, single submitter. Criteria: Ambry Variant Classification Scheme 2023. Collection method: clinical testing. Allele origin: germline.
Comment: The c.1013_1015delGCT variant (also known as p.C338del) is located in coding exon 8 of the POLD1 gene. This variant results from an in-frame GCT deletion at nucleotide positions 1013 to 1015. This results in the in-frame deletion of a cysteine at codon 338. This amino acid position is not well conserved in available vertebrate species. In addition, this alteration is predicted to be deleterious by in silico analysis (Choi Y et al. PLoS ONE. 2012; 7(10):e46688). Since supporting evidence is limited at this time, the clinical significance of this alteration remains unclear.